The following is an entry in ClinVar:

ClinVar aggregate classification (germline): Uncertain significance. Review status: criteria provided, multiple submitters, no conflicts (2 of 4 stars). 3 submissions from 3 submitters: Uncertain significance (3). Last evaluated 2025-09-10.

Conditions:
TREM2-related disorder. Also called: TREM2-related condition.
Inborn genetic diseases. Identifiers: MedGen C0950123, MeSH D030342.

Allele frequency attached by ClinVar (database versions not stated): gnomAD 0.00001; gnomAD exomes 0.00001; TOPMed 0.00001.
gnomAD v4.1: 5 of 1,614,106 alleles (0.00031%); highest among the groups gnomAD compares: Admixed American, 0.0067%; no homozygotes.

Submissions (3):

Ambry Genetics
Classification: Uncertain significance for Inborn genetic diseases. Last evaluated: 2025-09-10. Review status: criteria provided, single submitter. Criteria: Ambry Variant Classification Scheme 2023. Collection method: clinical testing. Allele origin: germline.

PreventionGenetics, part of Exact Sciences
Classification: Uncertain significance for TREM2-related condition. Last evaluated: 2024-12-06. Review status: criteria provided, single submitter. Criteria: ACMG Guidelines, 2015. Collection method: clinical testing. Allele origin: germline.
Comment: The TREM2 c.290T>C variant is predicted to result in the amino acid substitution p.Leu97Pro. To our knowledge, this variant has not been reported in the literature. This variant is reported in 0.0029% of alleles in individuals of Latino descent in gnomAD. At this time, the clinical significance of this variant is uncertain due to the absence of conclusive functional and genetic evidence.

Labcorp Genetics (formerly Invitae), Labcorp
Classification: Uncertain significance. Last evaluated: 2024-05-02. Review status: criteria provided, single submitter. Criteria: Invitae Variant Classification Sherloc (09022015). Collection method: clinical testing. Allele origin: germline.
Comment: This sequence change replaces leucine, which is neutral and non-polar, with proline, which is neutral and non-polar, at codon 97 of the TREM2 protein (p.Leu97Pro). This variant is present in population databases (no rsID available, gnomAD 0.003%). This variant has not been reported in the literature in individuals affected with TREM2-related conditions. ClinVar contains an entry for this variant (Variation ID: 1444592). An algorithm developed to predict the effect of missense changes on protein structure and function (PolyPhen-2) suggests that this variant is likely to be disruptive. In summary, the available evidence is currently insufficient to determine the role of this variant in disease. Therefore, it has been classified as a Variant of Uncertain Significance.

NM_018965.4(TREM2):c.290T>C (p.Leu97Pro)

Gene: TREM2 (triggering receptor expressed on myeloid cells 2; minus strand). Cytogenetic location: 6p21.1.
Variant type: single nucleotide variant.
Coding change: c.290T>C on transcript NM_018965.4 (MANE Select); coding-DNA position 290, T replaced by C.
Protein change: p.Leu97Pro; replaces leucine 97 with proline.
Molecular consequence: missense variant.
Genome position (GRCh38, 1-based): chr6:41,161,364, A>G on the plus strand (T>C on the coding strand, the complement: TREM2 is on the minus strand). VCF-style: chr6-41161364-A-G. GRCh37 (hg19) VCF-style: chr6-41129102-A-G.
Other names: c.290T>C, p.Leu97Pro (NM_001271821.2); c.290T>C (NM_018965.2, NM_018965.3); short protein forms L97P.
Identifiers: ClinVar variation 1444592 (VCV001444592.9), dbSNP rs1311610930, ClinGen allele CA364058854.